The following is an entry in ClinVar:

NM_001201543.2(FAM161A):c.1979C>T (p.Thr660Met)

Gene: FAM161A (FAM161 centrosomal protein A; minus strand). Cytogenetic location: 2p15.
Variant type: single nucleotide variant.
Coding change: c.1979C>T on transcript NM_001201543.2 (MANE Select); coding-DNA position 1979, C replaced by T.
Protein change: p.Thr660Met; replaces threonine 660 with methionine.
Molecular consequence: missense variant. On other transcripts: non-coding transcript variant (1).
Genome position (GRCh38, 1-based): chr2:61,827,131, G>A on the plus strand (C>T on the coding strand, the complement: FAM161A is on the minus strand). VCF-style: chr2-61827131-G-A. GRCh37 (hg19) VCF-style: chr2-62054266-G-A.
Other names: c.1811C>T, p.Thr604Met (NM_032180.3); short protein forms T604M, T660M.
Identifiers: ClinVar variation 933948 (VCV000933948.8), dbSNP rs372371486, ClinGen allele CA1678983.
Genomic context (GRCh38, chr2:61,827,131, plus strand): 5'-AGGTAAGCCATTCAGACATCTTATATATGTTACCTTTCTTTGTCTTCAGTGACACTTTTC[G>A]TCTCTTGATTGTTGAAGTACTCAAGTACTTTTCCACTTTGGCCTTTCTTTGAAACAAACT-3'
Protein context (NP_001188472.1, residues 650-670): KVLEYFNNQE[Thr660Met]KSVTEDKESF

ClinVar aggregate classification (germline): Uncertain significance. Review status: criteria provided, single submitter (1 of 4 stars). 2 submissions from 2 submitters: Uncertain significance (1). 1 of the submissions does not count toward it. Last evaluated 2022-05-09.

Conditions:
Retinitis pigmentosa 28 (RP28). Identifiers: Orphanet 791, MedGen C1419614, MONDO:0011630, OMIM 606068.

Allele frequency attached by ClinVar (database versions not stated): gnomAD exomes 0.00002; gnomAD 0.00003 and 0.00004; ExAC 0.00004; TOPMed 0.00004; ESP Exome Variant Server 0.00008.
gnomAD v4.1: 17 of 1,613,466 alleles (0.0011%); highest among the groups gnomAD compares: African/African-American, 0.0067%; no homozygotes.

Submissions (2):

Labcorp Genetics (formerly Invitae), Labcorp
Classification: Uncertain significance. Last evaluated: 2022-05-09. Review status: criteria provided, single submitter. Criteria: Invitae Variant Classification Sherloc (09022015). Collection method: clinical testing. Allele origin: germline.
Comment: This sequence change replaces threonine, which is neutral and polar, with methionine, which is neutral and non-polar, at codon 660 of the FAM161A protein (p.Thr660Met). This variant is present in population databases (rs372371486, gnomAD 0.01%). This variant has not been reported in the literature in individuals affected with FAM161A-related conditions. ClinVar contains an entry for this variant (Variation ID: 933948). Algorithms developed to predict the effect of missense changes on protein structure and function output the following: SIFT: "Tolerated"; PolyPhen-2: "Benign"; Align-GVGD: "Class C0". The methionine amino acid residue is found in multiple mammalian species, which suggests that this missense change does not adversely affect protein function. In summary, the available evidence is currently insufficient to determine the role of this variant in disease. Therefore, it has been classified as a Variant of Uncertain Significance.

Natera, Inc.
Classification: Uncertain significance for Retinitis pigmentosa type 28. Last evaluated: 2020-08-14. Review status: no assertion criteria provided. Collection method: clinical testing. Allele origin: germline. Not counted in ClinVar's aggregate classification.